The following is an entry in ClinVar:

ClinVar aggregate classification (germline): Uncertain significance. Review status: criteria provided, multiple submitters, no conflicts (2 of 4 stars). 2 submissions from 2 submitters: Uncertain significance (2). Last evaluated 2024-11-19.

Conditions:
Distal myopathy with posterior leg and anterior hand involvement. Also called: WILLIAMS DISTAL MYOPATHY. Identifiers: Orphanet 63273, MedGen C3279722, MONDO:0013550, OMIM 614065.
Myofibrillar myopathy 5. Also called: Filaminopathy (type); FILAMINOPATHY, AUTOSOMAL DOMINANT. Identifiers: Orphanet 171445, MedGen C1836050, MONDO:0012289, OMIM 609524.
Hypertrophic cardiomyopathy 26. Also called: Cardiomyopathy, familial hypertrophic, 26. Identifiers: Orphanet 75249, MedGen C4310749, MONDO:0014883, OMIM 617047.
Cardiovascular phenotype. Identifiers: MedGen CN230736.

Allele frequency attached by ClinVar (database versions not stated): gnomAD exomes below 0.00001.
gnomAD v4.1: 1 of 1,612,650 alleles (0.000062%); no homozygotes.

Submissions (2):

Labcorp Genetics (formerly Invitae), Labcorp
Classification: Uncertain significance for Distal myopathy with posterior leg and anterior hand involvement; Myofibrillar myopathy 5; Hypertrophic cardiomyopathy 26. Last evaluated: 2024-11-19. Review status: criteria provided, single submitter. Criteria: Invitae Variant Classification Sherloc (09022015). Collection method: clinical testing. Allele origin: germline.
Comment: This sequence change replaces asparagine, which is neutral and polar, with serine, which is neutral and polar, at codon 290 of the FLNC protein (p.Asn290Ser). This variant is not present in population databases (gnomAD no frequency). This variant has not been reported in the literature in individuals affected with FLNC-related conditions. ClinVar contains an entry for this variant (Variation ID: 2237502). Invitae Evidence Modeling of protein sequence and biophysical properties (such as structural, functional, and spatial information, amino acid conservation, physicochemical variation, residue mobility, and thermodynamic stability) has been performed for this missense variant. However, the output from this modeling did not meet the statistical confidence thresholds required to predict the impact of this variant on FLNC protein function. In summary, the available evidence is currently insufficient to determine the role of this variant in disease. Therefore, it has been classified as a Variant of Uncertain Significance.

Ambry Genetics
Classification: Uncertain significance for Cardiovascular phenotype. Last evaluated: 2021-07-14. Review status: criteria provided, single submitter. Criteria: Ambry Variant Classification Scheme 2023. Collection method: clinical testing. Allele origin: germline.

NM_001458.5(FLNC):c.869A>G (p.Asn290Ser)

Gene: FLNC (filamin C; plus strand). Cytogenetic location: 7q32.1.
Variant type: single nucleotide variant.
Coding change: c.869A>G on transcript NM_001458.5 (MANE Select); coding-DNA position 869, A replaced by G.
Protein change: p.Asn290Ser; replaces asparagine 290 with serine.
Molecular consequence: missense variant.
Genome position (GRCh38, 1-based): chr7:128,837,655, A>G. VCF-style: chr7-128837655-A-G. GRCh37 (hg19) VCF-style: chr7-128477709-A-G.
Other names: c.869A>G, p.Asn290Ser (NM_001127487.2); short protein forms N290S.
Identifiers: ClinVar variation 2237502 (VCV002237502.4), dbSNP rs2536618894, ClinGen allele CA369222921.